The following is an entry in ClinVar:

NM_020982.4(CLDN9):c.416C>T (p.Thr139Met)

Gene: CLDN9 (claudin 9; plus strand). Cytogenetic location: 16p13.3.
Variant type: single nucleotide variant.
Coding change: c.416C>T on transcript NM_020982.4 (MANE Select); coding-DNA position 416, C replaced by T.
Protein change: p.Thr139Met; replaces threonine 139 with methionine.
Molecular consequence: missense variant.
Genome position (GRCh38, 1-based): chr16:3,013,778, C>T. VCF-style: chr16-3013778-C-T. GRCh37 (hg19) VCF-style: chr16-3063779-C-T.
Other names: short protein forms T139M.
Identifiers: ClinVar variation 1064912 (VCV001064912.3), dbSNP rs571860251, ClinGen allele CA7854069.

ClinVar aggregate classification (germline): Uncertain significance (1 of 4 stars; one submission).

Conditions:
Hearing impairment. Also called: Impaired Hearing. Identifiers: MedGen C1384666, MONDO:0005365, HP:0000365.

Allele frequency attached by ClinVar (database versions not stated): gnomAD 0.00001 and 0.00003; gnomAD exomes 0.00004 and 0.00007; ExAC 0.00009; 1000 Genomes Project 30x 0.00016; 1000 Genomes Project 0.00020.

Submission:

Department of Otolaryngology – Head & Neck Surgery, Cochlear Implant Center
Classification: Uncertain significance for Hearing impairment. Last evaluated: 2021-04-12. Review status: criteria provided, single submitter. Criteria: ClinGen HL ACMG Specifications v1. Collection method: clinical testing. Allele origin: germline. Affected: yes.
Comment: PM2_Moderate, BP4_Supporting